The following is an entry in ClinVar:

ClinVar aggregate classification (germline): Uncertain significance. Review status: criteria provided, multiple submitters, no conflicts (2 of 4 stars). 3 submissions from 3 submitters: Uncertain significance (3). Last evaluated 2025-07-21.

Conditions:
Diencephalic-mesencephalic junction dysplasia syndrome 1 (DMJDS1). Also called: Microcephaly with spastic quadriplegia. Identifiers: MedGen C4538630, MONDO:0009625, OMIM 251280.
Inborn genetic diseases. Identifiers: MedGen C0950123, MeSH D030342.

Allele frequency attached by ClinVar (database versions not stated): ExAC 0.00002; gnomAD exomes 0.00006 and 0.00007; gnomAD 0.00014 and 0.00015; TOPMed 0.00015; 1000 Genomes Project 30x 0.00016; 1000 Genomes Project 0.00020.
gnomAD v4.1: 132 of 1,614,192 alleles (0.0082%); highest among the groups gnomAD compares: African/African-American, 0.047%; no homozygotes.

Submissions (3):

Labcorp Genetics (formerly Invitae), Labcorp
Classification: Uncertain significance. Last evaluated: 2025-07-21. Review status: criteria provided, single submitter. Criteria: Invitae Variant Classification Sherloc (09022015). Collection method: clinical testing. Allele origin: germline.
Comment: This sequence change replaces arginine, which is basic and polar, with tryptophan, which is neutral and slightly polar, at codon 470 of the PCDH12 protein (p.Arg470Trp). This variant is present in population databases (rs139579018, gnomAD 0.01%). This variant has not been reported in the literature in individuals affected with PCDH12-related conditions. ClinVar contains an entry for this variant (Variation ID: 1030563). Invitae Evidence Modeling of protein sequence and biophysical properties (such as structural, functional, and spatial information, amino acid conservation, physicochemical variation, residue mobility, and thermodynamic stability) indicates that this missense variant is not expected to disrupt PCDH12 protein function with a negative predictive value of 95%. In summary, the available evidence is currently insufficient to determine the role of this variant in disease. Therefore, it has been classified as a Variant of Uncertain Significance.

Ambry Genetics
Classification: Uncertain significance for Inborn genetic diseases. Last evaluated: 2021-07-16. Review status: criteria provided, single submitter. Criteria: Ambry Variant Classification Scheme 2023. Collection method: clinical testing. Allele origin: germline.

Baylor Genetics
Classification: Uncertain significance for Diencephalic-mesencephalic junction dysplasia syndrome 1. Last evaluated: 2020-07-27. Review status: criteria provided, single submitter. Criteria: ACMG Guidelines, 2015. Collection method: clinical testing. Allele origin: unknown. Affected: yes.
Comment: This variant was determined to be of uncertain significance according to ACMG Guidelines, 2015 [PMID:25741868].

NM_016580.4(PCDH12):c.1408C>T (p.Arg470Trp)

Genes: RNF14 (ring finger protein 14; plus strand), PCDH12 (protocadherin 12; minus strand). Cytogenetic location: 5q31.3.
Variant type: single nucleotide variant.
Coding change: c.1408C>T on transcript NM_016580.4 (MANE Select); coding-DNA position 1408, C replaced by T.
Protein change: p.Arg470Trp; replaces arginine 470 with tryptophan.
Molecular consequence: missense variant.
Genome position (GRCh38, 1-based): chr5:141,956,444, G>A on the plus strand (C>T on the coding strand, the complement: PCDH12 is on the minus strand). VCF-style: chr5-141956444-G-A. GRCh37 (hg19) VCF-style: chr5-141336009-G-A.
Other names: c.1408C>T (NM_016580.2); short protein forms R470W.
Identifiers: ClinVar variation 1030563 (VCV001030563.12), dbSNP rs139579018, ClinGen allele CA3484407.